The following is an entry in ClinVar:

ClinVar aggregate classification (germline): Likely pathogenic (1 of 4 stars; one submission).

Conditions:
Muscular dystrophy-dystroglycanopathy (congenital with brain and eye anomalies), type A3. Also called: Muscular dystrophy-dystroglycanopathy (congenital with brain and eye anomalies), type A, 3; Congenital muscular dystrophy-dystroglycanopathy with brain and eye anomalies, type A3; WALKER-WARBURG SYNDROME OR MUSCLE-EYE-BRAIN DISEASE, POMGNT1-RELATED. Identifiers: MedGen C3151519, MONDO:0009667, OMIM 253280.

Submission:

Myriad Genetics, Inc.
Classification: Likely pathogenic for Muscular dystrophy-dystroglycanopathy (congenital with brain and eye anomalies), type A3. Last evaluated: 2021-12-03. Review status: criteria provided, single submitter. Criteria: Myriad Women's Health Autosomal Recessive and X-Linked Classification Criteria (2021). Collection method: clinical testing. Allele origin: unknown.
Comment: NM_017739.3(POMGNT1):c.679_681delAAAinsG(K227Vfs*46) is expected to be pathogenic in the context of POMGNT-related disorders. This variant is predicted to lead to an abnormal or absent protein product due to the creation of a premature termination codon in POMGNT1, a gene where loss-of-function variants are known to be pathogenic. Please note: this variant was assessed in the context of healthy population screening.

NM_017739.4(POMGNT1):c.679_681delinsG (p.Lys227fs)

Genes: POMGNT1 (protein O-linked mannose N-acetylglucosaminyltransferase 1 (beta 1,2-); minus strand), TSPAN1 (tetraspanin 1; plus strand). Cytogenetic location: 1p34.1.
Variant type: Indel.
Coding change: c.679_681delinsG on transcript NM_017739.4 (MANE Select); coding-DNA positions 679 to 681, AAA replaced by G.
Protein change: p.Lys227fs; shifts the reading frame from lysine 227.
Molecular consequence: frameshift variant.
Genome position (GRCh38, 1-based): chr1:46,194,623-46,194,625, TTT replaced by C on the plus strand (AAA replaced by G on the coding strand, the reverse complement: POMGNT1 is on the minus strand). VCF-style: chr1-46194623-TTT-C. GRCh37 (hg19) VCF-style: chr1-46660295-TTT-C.
Other names: c.679_681delinsG, p.Lys227fs (NM_001243766.2, NM_001410783.1); c.613_615delAAAinsG, p.Lys205Valfs (NM_001290129.3); c.250_252delinsG, p.Lys84fs (NM_001290130.2); short protein forms K205fs, K227fs, K84fs.
Identifiers: ClinVar variation 1725447 (VCV001725447.2), dbSNP rs2525429573, ClinGen allele CA2580062980.